The following is an entry in ClinVar:

NM_000135.4(FANCA):c.3981C>G (p.His1327Gln)

Genes: ZNF276 (zinc finger protein 276; plus strand), FANCA (FA complementation group A; minus strand). Cytogenetic location: 16q24.3.
Variant type: single nucleotide variant.
Coding change: c.3981C>G on transcript NM_000135.4 (MANE Select); coding-DNA position 3981, C replaced by G.
Protein change: p.His1327Gln; replaces histidine 1327 with glutamine.
Molecular consequence: missense variant. On other transcripts: 3 prime UTR variant (2), non-coding transcript variant (4).
Genome position (GRCh38, 1-based): chr16:89,739,507, G>C on the plus strand (C>G on the coding strand, the complement: FANCA is on the minus strand). VCF-style: chr16-89739507-G-C. GRCh37 (hg19) VCF-style: chr16-89805915-G-C.
Other names: c.3981C>G, p.His1327Gln (NM_001286167.3); c.*1261G>C (NM_001113525.2, NM_152287.4); short protein forms H1327Q.
Identifiers: ClinVar variation 4254227 (VCV004254227.1).
Genomic context (GRCh38, chr16:89,739,507, plus strand): 5'-CAGCCCTGACCAGCCCTGTGGGTGGAGGTACCTGTAAAAAGCGAAAGGCAGCAGCCTGGT[G>C]TGCTGATCCGGGGCCACACGGAGGAGGAGCCGCCCCAGCCTGAGGTCTGCAACACCAAGA-3'
Protein context (NP_000126.2, residues 1317-1337): RLLLRVAPDQ[His1327Gln]TRLLPFAFYS

ClinVar aggregate classification (germline): Uncertain significance (1 of 4 stars; one submission).

Conditions:
Inborn genetic diseases. Identifiers: MedGen C0950123, MeSH D030342.

Submission:

Ambry Genetics
Classification: Uncertain significance for Inborn genetic diseases. Last evaluated: 2025-07-25. Review status: criteria provided, single submitter. Criteria: Ambry Variant Classification Scheme 2023. Collection method: clinical testing. Allele origin: germline.
Comment: The p.H1327Q variant (also known as c.3981C>G), located in coding exon 40 of the FANCA gene, results from a C to G substitution at nucleotide position 3981. The histidine at codon 1327 is replaced by glutamine, an amino acid with highly similar properties. This amino acid position is conserved. In addition, this alteration is predicted to be tolerated by in silico analysis. Based on the available evidence, the clinical significance of this variant remains unclear.